The following is an entry in ClinVar:

ClinVar aggregate classification (germline): Uncertain significance (1 of 4 stars; one submission).

Conditions:
Dilated cardiomyopathy 1O (CMD1O). Also called: CARDIOMYOPATHY, DILATED, WITH VENTRICULAR TACHYCARDIA. Identifiers: Orphanet 154, MedGen C1837839, MONDO:0012062, OMIM 608569.

Allele frequency attached by ClinVar (database versions not stated): gnomAD exomes below 0.00001; TOPMed below 0.00001.
gnomAD v4.1: 4 of 1,588,552 alleles (0.00025%); highest among the groups gnomAD compares: Admixed American, 0.0067%; no homozygotes.

Submission:

Labcorp Genetics (formerly Invitae), Labcorp
Classification: Uncertain significance for Dilated cardiomyopathy 1O. Last evaluated: 2023-03-07. Review status: criteria provided, single submitter. Criteria: Invitae Variant Classification Sherloc (09022015). Collection method: clinical testing. Allele origin: germline.
Comment: In summary, the available evidence is currently insufficient to determine the role of this variant in disease. Therefore, it has been classified as a Variant of Uncertain Significance. Variants that disrupt the consensus splice site are a relatively common cause of aberrant splicing (PMID: 17576681, 9536098). Algorithms developed to predict the effect of sequence changes on RNA splicing suggest that this variant is not likely to affect RNA splicing. This variant has not been reported in the literature in individuals affected with ABCC9-related conditions. This variant is present in population databases (no rsID available, gnomAD 0.006%). This sequence change falls in intron 34 of the ABCC9 gene. It does not directly change the encoded amino acid sequence of the ABCC9 protein. It affects a nucleotide within the consensus splice site.

Literature cited by the submitters: PubMed 17576681; PubMed 9536098.

NM_020297.4(ABCC9):c.4211+4G>A

Genes: ABCC9 (ATP binding cassette subfamily C member 9; minus strand), KCNJ8-AS1 (KCNJ8 antisense RNA 1; plus strand). Cytogenetic location: 12p12.1.
Variant type: single nucleotide variant.
Coding change: c.4211+4G>A on transcript NM_020297.4 (MANE Select); 4 bases into the intron after coding-DNA position 4211, G replaced by A.
Molecular consequence: intron variant.
Genome position (GRCh38, 1-based): chr12:21,812,045, C>T on the plus strand (G>A on the coding strand, the complement: ABCC9 is on the minus strand). VCF-style: chr12-21812045-C-T. GRCh37 (hg19) VCF-style: chr12-21964979-C-T.
Other names: c.3344+4G>A (NM_001377274.1); c.4211+4G>A (NM_005691.4, NM_001377273.1).
Identifiers: ClinVar variation 2913317 (VCV002913317.3), dbSNP rs1164961986, ClinGen allele CA603676085.